The following is an entry in ClinVar:

ClinVar aggregate classification (germline): Likely benign. Review status: criteria provided, single submitter (1 of 4 stars). 2 submissions from 2 submitters: Likely benign (1). 1 of the submissions does not count toward it. Last evaluated 2025-02-08.

Conditions:
ELANE-related disorder. Also called: ELANE-related condition.
Inborn genetic diseases. Identifiers: MedGen C0950123, MeSH D030342.

Submissions (2):

Ambry Genetics
Classification: Likely benign for Inborn genetic diseases. Last evaluated: 2025-02-08. Review status: criteria provided, single submitter. Criteria: Ambry Variant Classification Scheme 2023. Collection method: clinical testing. Allele origin: germline.

PreventionGenetics, part of Exact Sciences
Classification: Likely benign for ELANE-related condition. Last evaluated: 2021-10-15. Review status: no assertion criteria provided. Collection method: clinical testing. Allele origin: germline. Not counted in ClinVar's aggregate classification.
Comment: This variant is classified as likely benign based on ACMG/AMP sequence variant interpretation guidelines (Richards et al. 2015 PMID: 25741868, with internal and published modifications).

NM_001972.4(ELANE):c.61C>T (p.Leu21=)

Gene: ELANE (elastase, neutrophil expressed; plus strand). Cytogenetic location: 19p13.3.
Variant type: single nucleotide variant.
Coding change: c.61C>T on transcript NM_001972.4 (MANE Select); coding-DNA position 61, C replaced by T.
Protein change: p.Leu21=; no amino-acid change (leucine 21 retained).
Molecular consequence: synonymous variant.
Genome position (GRCh38, 1-based): chr19:852,389, C>T. VCF-style: chr19-852389-C-T. GRCh37 (hg19) VCF-style: chr19-852389-C-T.
Identifiers: ClinVar variation 3059550 (VCV003059550.3), dbSNP rs2512163754, ClinGen allele CA504684380.